The following is an entry in ClinVar:

ClinVar aggregate classification (germline): Uncertain significance (1 of 4 stars; one submission).

gnomAD v4.1: 2 of 1,611,032 alleles (0.00012%); highest among the groups gnomAD compares: Non-Finnish European, 0.00017%; no homozygotes.

Submission:

Labcorp Genetics (formerly Invitae), Labcorp
Classification: Uncertain significance. Last evaluated: 2019-10-15. Review status: criteria provided, single submitter. Criteria: Invitae Variant Classification Sherloc (09022015). Collection method: clinical testing. Allele origin: germline.
Comment: This sequence change replaces asparagine with threonine at codon 150 of the PHYH protein (p.Asn150Thr). The asparagine residue is highly conserved and there is a small physicochemical difference between asparagine and threonine. This variant is not present in population databases (ExAC no frequency). This variant has not been reported in the literature in individuals with PHYH-related conditions. Algorithms developed to predict the effect of missense changes on protein structure and function are either unavailable or do not agree on the potential impact of this missense change (SIFT: "Deleterious"; PolyPhen-2: "Possibly Damaging"; Align-GVGD: "Class C0"). In summary, the available evidence is currently insufficient to determine the role of this variant in disease. Therefore, it has been classified as a Variant of Uncertain Significance.

NM_006214.4(PHYH):c.449A>C (p.Asn150Thr)

Gene: PHYH (phytanoyl-CoA 2-hydroxylase; minus strand). Cytogenetic location: 10p13.
Variant type: single nucleotide variant.
Coding change: c.449A>C on transcript NM_006214.4 (MANE Select); coding-DNA position 449, A replaced by C.
Protein change: p.Asn150Thr; replaces asparagine 150 with threonine.
Molecular consequence: missense variant. On other transcripts: intron variant (1).
Genome position (GRCh38, 1-based): chr10:13,291,878, T>G on the plus strand (A>C on the coding strand, the complement: PHYH is on the minus strand). VCF-style: chr10-13291878-T-G. GRCh37 (hg19) VCF-style: chr10-13333878-T-G.
Other names: c.149A>C, p.Asn50Thr (NM_001037537.2, NM_001323080.2, NM_001323084.2); c.449A>C, p.Asn150Thr (NM_001323082.2); c.414+2550A>C (NM_001323083.2); short protein forms N150T, N50T.
Identifiers: ClinVar variation 966214 (VCV000966214.9), dbSNP rs1337094816, ClinGen allele CA376036370.